The following is an entry in ClinVar:

ClinVar aggregate classification (germline): Uncertain significance (1 of 4 stars; one submission).

Allele frequency attached by ClinVar (database versions not stated): gnomAD exomes below 0.00001.
gnomAD v4.1: 2 of 1,612,858 alleles (0.00012%); highest among the groups gnomAD compares: Non-Finnish European, 0.00017%; no homozygotes.

Submission:

Labcorp Genetics (formerly Invitae), Labcorp
Classification: Uncertain significance. Last evaluated: 2022-04-04. Review status: criteria provided, single submitter. Criteria: Invitae Variant Classification Sherloc (09022015). Collection method: clinical testing. Allele origin: germline.
Comment: This sequence change replaces threonine, which is neutral and polar, with asparagine, which is neutral and polar, at codon 578 of the CLCN7 protein (p.Thr578Asn). This variant is not present in population databases (gnomAD no frequency). This missense change has been observed in individual(s) with autosomal dominant osteopetrosis (Invitae). Algorithms developed to predict the effect of missense changes on protein structure and function are either unavailable or do not agree on the potential impact of this missense change (SIFT: "Deleterious"; PolyPhen-2: "Probably Damaging"; Align-GVGD: "Class C0"). In summary, the available evidence is currently insufficient to determine the role of this variant in disease. Therefore, it has been classified as a Variant of Uncertain Significance.

NM_001287.6(CLCN7):c.1733C>A (p.Thr578Asn)

Gene: CLCN7 (chloride voltage-gated channel 7; minus strand). Cytogenetic location: 16p13.3.
Variant type: single nucleotide variant.
Coding change: c.1733C>A on transcript NM_001287.6 (MANE Select); coding-DNA position 1733, C replaced by A.
Protein change: p.Thr578Asn; replaces threonine 578 with asparagine.
Molecular consequence: missense variant.
Genome position (GRCh38, 1-based): chr16:1,449,030, G>T on the plus strand (C>A on the coding strand, the complement: CLCN7 is on the minus strand). VCF-style: chr16-1449030-G-T. GRCh37 (hg19) VCF-style: chr16-1499031-G-T.
Other names: c.1661C>A, p.Thr554Asn (NM_001114331.3); short protein forms T554N, T578N.
Identifiers: ClinVar variation 2092120 (VCV002092120.4), dbSNP rs2505815891, ClinGen allele CA394186723.